The following is an entry in ClinVar:

NM_005476.7(GNE):c.353C>T (p.Ala118Val)

Gene: GNE (glucosamine (UDP-N-acetyl)-2-epimerase/N-acetylmannosamine kinase; minus strand). Cytogenetic location: 9p13.3.
Variant type: single nucleotide variant.
Coding change: c.353C>T on transcript NM_005476.7 (MANE Select); coding-DNA position 353, C replaced by T.
Protein change: p.Ala118Val; replaces alanine 118 with valine.
Molecular consequence: missense variant.
Genome position (GRCh38, 1-based): chr9:36,246,294, G>A on the plus strand (C>T on the coding strand, the complement: GNE is on the minus strand). VCF-style: chr9-36246294-G-A. GRCh37 (hg19) VCF-style: chr9-36246291-G-A.
Other names: c.446C>T, p.Ala149Val (NM_001128227.3); c.353C>T, p.Ala118Val (NM_001190383.3, NM_001374797.1); c.176C>T, p.Ala59Val (NM_001190384.3, NM_001190388.2, NM_001374798.1); short protein forms A118V, A149V, A59V.
Identifiers: ClinVar variation 2506250 (VCV002506250.1), dbSNP rs2489789066, ClinGen allele CA373419279.
Genomic context (GRCh38, chr9:36,246,294, plus strand): 5'-ACTTCCCCACCTTCAATGTGAAGGATTCGGATGTTCATCAAGGCAGCAGATGTGGCCAGA[G>A]CCAGGGCATCAAACCTGTCTCCATGAACAATCATGATATCAGGCTTCAGGCGATTAAGGA-3'
Protein context (NP_005467.1, residues 108-128): IVHGDRFDAL[Ala118Val]LATSAALMNI

ClinVar aggregate classification (germline): Uncertain significance (1 of 4 stars; one submission).

Submission:

Women's Health and Genetics/Laboratory Corporation of America, LabCorp
Classification: Uncertain significance. Last evaluated: 2023-05-23. Review status: criteria provided, single submitter. Criteria: LabCorp Variant Classification Summary - May 2015. Collection method: clinical testing. Allele origin: germline.
Comment: Variant summary: GNE c.446C>T (p.Ala149Val) results in a non-conservative amino acid change located in the UDP-N-acetylglucosamine 2-epimerase domain (IPR003331) of the encoded protein sequence. Five of five in-silico tools predict a damaging effect of the variant on protein function. The variant was absent in 251320 control chromosomes (gnomAD). The available data on variant occurrences in the general population are insufficient to allow any conclusion about variant significance. c.446C>T has been reported in the literature in at least one compound heterozygous individual affected with GNE myopathy (e.g., Chen_2019, Lv_2022). These data do not allow any conclusion about variant significance. To our knowledge, no experimental evidence demonstrating an impact on protein function has been reported. The following publications have been ascertained in the context of this evaluation (PMID: 30390020, 35138478). No clinical diagnostic laboratories have submitted clinical-significance assessments for this variant to ClinVar after 2014. Based on the evidence outlined above, the variant was classified as uncertain significance.

Literature cited by the submitters: PubMed 30390020; PubMed 35138478.